The following is an entry in ClinVar:

ClinVar aggregate classification (germline): Uncertain significance. Review status: criteria provided, multiple submitters, no conflicts (2 of 4 stars). 2 submissions from 2 submitters: Uncertain significance (2). Last evaluated 2026-05-11.

Conditions:
Inborn genetic diseases. Identifiers: MedGen C0950123, MeSH D030342.

Submissions (2):

Ambry Genetics
Classification: Uncertain significance for Inborn genetic diseases. Last evaluated: 2026-05-11. Review status: criteria provided, single submitter. Criteria: Ambry Variant Classification Scheme 2023. Collection method: clinical testing. Allele origin: germline.

Labcorp Genetics (formerly Invitae), Labcorp
Classification: Uncertain significance. Last evaluated: 2025-09-03. Review status: criteria provided, single submitter. Criteria: Invitae Variant Classification Sherloc (09022015). Collection method: clinical testing. Allele origin: germline.
Comment: This sequence change replaces methionine, which is neutral and non-polar, with valine, which is neutral and non-polar, at codon 1020 of the POLR3B protein (p.Met1020Val). This variant is not present in population databases (gnomAD no frequency). This variant has not been reported in the literature in individuals affected with POLR3B-related conditions. Invitae Evidence Modeling of protein sequence and biophysical properties (such as structural, functional, and spatial information, amino acid conservation, physicochemical variation, residue mobility, and thermodynamic stability) indicates that this missense variant is not expected to disrupt POLR3B protein function with a negative predictive value of 80%. In summary, the available evidence is currently insufficient to determine the role of this variant in disease. Therefore, it has been classified as a Variant of Uncertain Significance.

NM_018082.6(POLR3B):c.3058A>G (p.Met1020Val)

Genes: POLR3B (RNA polymerase III subunit B; plus strand), RFX4-AS1 (RFX4 antisense RNA 1; minus strand). Cytogenetic location: 12q23.3.
Variant type: single nucleotide variant.
Coding change: c.3058A>G on transcript NM_018082.6 (MANE Select); coding-DNA position 3058, A replaced by G.
Protein change: p.Met1020Val; replaces methionine 1020 with valine.
Molecular consequence: missense variant.
Genome position (GRCh38, 1-based): chr12:106,501,396, A>G. VCF-style: chr12-106501396-A-G. GRCh37 (hg19) VCF-style: chr12-106895174-A-G.
Other names: c.3058A>G (NM_018082.5); c.2884A>G, p.Met962Val (NM_001160708.2); short protein forms M962V, M1020V.
Identifiers: ClinVar variation 4746413 (VCV004746413.2).